The following is an entry in ClinVar:

ClinVar aggregate classification (germline): Uncertain significance (1 of 4 stars; one submission).

Submission:

GeneDx
Classification: Uncertain significance. Last evaluated: 2025-05-30. Review status: criteria provided, single submitter. Criteria: GeneDx Variant Classification Process June 2021. Collection method: clinical testing. Allele origin: germline. Affected: yes.
Comment: Nonsense variant predicted to result in protein truncation or nonsense mediated decay in a gene or region of a gene for which loss of function is not a well-established mechanism of disease; Not observed at significant frequency in large population cohorts (gnomAD); Has not been previously published as pathogenic or benign to our knowledge

NM_004818.3(DDX23):c.950C>G (p.Ser317Ter)

Gene: DDX23 (DEAD-box helicase 23; minus strand). Cytogenetic location: 12q13.12.
Variant type: single nucleotide variant.
Coding change: c.950C>G on transcript NM_004818.3 (MANE Select); coding-DNA position 950, C replaced by G.
Protein change: p.Ser317Ter; replaces serine 317 with a stop codon.
Molecular consequence: nonsense.
Genome position (GRCh38, 1-based): chr12:48,836,954, G>C on the plus strand (C>G on the coding strand, the complement: DDX23 is on the minus strand). VCF-style: chr12-48836954-G-C. GRCh37 (hg19) VCF-style: chr12-49230737-G-C.
Other names: short protein forms S317*.
Identifiers: ClinVar variation 4532698 (VCV004532698.1).